The following is an entry in ClinVar:

ClinVar aggregate classification (germline): Likely benign. Review status: criteria provided, single submitter (1 of 4 stars). 2 submissions from 2 submitters: Likely benign (1). 1 of the submissions does not count toward it. Last evaluated 2025-05-05.

Conditions:
ACE-related disorder. Also called: ACE-related disorders; ACE-related condition.

Allele frequency attached by ClinVar (database versions not stated): ExAC 0.00001; gnomAD 0.00001; gnomAD exomes 0.00001; TOPMed 0.00002.
gnomAD v4.1: 21 of 1,614,022 alleles (0.0013%); highest among the groups gnomAD compares: Non-Finnish European, 0.0017%; no homozygotes.

Submissions (2):

Labcorp Genetics (formerly Invitae), Labcorp
Classification: Likely benign. Last evaluated: 2025-05-05. Review status: criteria provided, single submitter. Criteria: Invitae Variant Classification Sherloc (09022015). Collection method: clinical testing. Allele origin: germline.

PreventionGenetics, part of Exact Sciences
Classification: Likely benign for ACE-related condition. Last evaluated: 2019-04-01. Review status: no assertion criteria provided. Collection method: clinical testing. Allele origin: germline. Not counted in ClinVar's aggregate classification.
Comment: This variant is classified as likely benign based on ACMG/AMP sequence variant interpretation guidelines (Richards et al. 2015 PMID: 25741868, with internal and published modifications).

NM_000789.4(ACE):c.2076A>G (p.Gln692=)

Gene: ACE (angiotensin I converting enzyme; plus strand). Cytogenetic location: 17q23.3.
Variant type: single nucleotide variant.
Coding change: c.2076A>G on transcript NM_000789.4 (MANE Select); coding-DNA position 2076, A replaced by G.
Protein change: p.Gln692=; no amino-acid change (glutamine 692 retained).
Molecular consequence: synonymous variant. On other transcripts: non-coding transcript variant (1).
Genome position (GRCh38, 1-based): chr17:63,486,574, A>G. VCF-style: chr17-63486574-A-G. GRCh37 (hg19) VCF-style: chr17-61563935-A-G.
Other names: c.2076A>G (NM_000789.3); c.354A>G, p.Gln118= (NM_001178057.2, NM_152830.3); c.1509A>G, p.Gln503= (NM_001382700.1); c.1224A>G, p.Gln408= (NM_001382701.1); c.6A>G, p.Gln2= (NM_001382702.1).
Identifiers: ClinVar variation 2865024 (VCV002865024.5), dbSNP rs760990165, ClinGen allele CA8699932.
Genomic context (GRCh38, chr17:63,486,574, plus strand): 5'-TGGAGCTCCTGGGCCCTGTGACACCATCCCCCTGTGCCCTCAGCTGCAGAAGAACATGCA[A>G]ATAGCCAACCACACCCTGAAGTACGGCACCCAGGCCAGGAAGTTTGATGTGAACCAGTTG-3'
Protein context (NP_000780.1, residues 682-702): TSKILLQKNM[Gln692=]IANHTLKYGT